The following is an entry in ClinVar:

NM_006949.4(STXBP2):c.607del (p.His203fs)

Gene: STXBP2 (syntaxin binding protein 2; plus strand). Cytogenetic location: 19p13.2.
Variant type: Deletion.
Coding change: c.607del on transcript NM_006949.4 (MANE Select); coding-DNA position 607, one base deleted (C; older notation c.607delC).
Protein change: p.His203fs; shifts the reading frame from histidine 203.
Molecular consequence: frameshift variant. On other transcripts: non-coding transcript variant (1).
Genome position (GRCh38, 1-based): chr19:7,642,062, C deleted; the last of 3 consecutive C bases (chr19:7,642,060-7,642,062); deleting any one gives the same sequence. VCF-style (leftmost placement, unchanged base first): chr19-7642059-GC-G. GRCh37 (hg19) VCF-style: chr19-7706945-GC-G.
Other names: c.598del, p.His200fs (NM_001127396.3); c.640del, p.His214fs (NM_001272034.2); short protein forms H200fs, H203fs, H214fs.
Identifiers: ClinVar variation 1029119 (VCV001029119.1), dbSNP rs2031907358, ClinGen allele CA2321021815.

ClinVar aggregate classification (germline): Pathogenic (1 of 4 stars; one submission).

Conditions:
Familial hemophagocytic lymphohistiocytosis 5. Also called: STXBP2-Related Familial Hemophagocytic Lymphohistiocytosis (STXBP2-fHLH). Identifiers: Orphanet 540, MedGen C2751293, MONDO:0013135, OMIM 613101.

Submission:

Baylor Genetics
Classification: Pathogenic for Familial hemophagocytic lymphohistiocytosis 5. Last evaluated: 2019-05-07. Review status: criteria provided, single submitter. Criteria: ACMG Guidelines, 2015. Collection method: clinical testing. Allele origin: paternal. Affected: yes.
Comment: This variant was determined to be pathogenic according to ACMG Guidelines, 2015 [PMID:25741868].